The following is an entry in ClinVar:

NM_001009999.3(KDM1A):c.2135G>A (p.Arg712Lys)

Gene: KDM1A (lysine demethylase 1A; plus strand). Cytogenetic location: 1p36.12.
Variant type: single nucleotide variant.
Coding change: c.2135G>A on transcript NM_001009999.3 (MANE Select); coding-DNA position 2135, G replaced by A.
Protein change: p.Arg712Lys; replaces arginine 712 with lysine.
Molecular consequence: missense variant.
Genome position (GRCh38, 1-based): chr1:23,079,632, G>A. VCF-style: chr1-23079632-G-A. GRCh37 (hg19) VCF-style: chr1-23406125-G-A.
Other names: c.2081G>A, p.Arg694Lys (NM_001363654.2); c.2141G>A, p.Arg714Lys (NM_001410762.1); c.2063G>A, p.Arg688Lys (NM_001410763.1, NM_015013.4); short protein forms R688K, R694K, R712K, R714K.
Identifiers: ClinVar variation 4858745 (VCV004858745.1).

ClinVar aggregate classification (germline): Uncertain significance (1 of 4 stars; one submission).

Conditions:
Inborn genetic diseases. Identifiers: MedGen C0950123, MeSH D030342.

Submission:

Ambry Genetics
Classification: Uncertain significance for Inborn genetic diseases. Last evaluated: 2026-05-24. Review status: criteria provided, single submitter. Criteria: Ambry Variant Classification Scheme 2023. Collection method: clinical testing. Allele origin: germline.
Comment: The p.R712K variant (also known as c.2135G>A), located in coding exon 18 of the KDM1A gene, results from a G to A substitution at nucleotide position 2135. The arginine at codon 712 is replaced by lysine, an amino acid with highly similar properties. This amino acid position is conserved. In addition, this alteration is predicted to be deleterious by in silico analysis. Based on the available evidence, the clinical significance of this variant remains unclear.